The following is an entry in ClinVar:

ClinVar aggregate classification (germline): Pathogenic. Review status: reviewed by expert panel (3 of 4 stars). 7 submissions from 7 submitters: Pathogenic (1). 6 of the submissions do not count toward it. Last evaluated 2016-09-08.

Conditions:
Hereditary cancer-predisposing syndrome. Also called: Tumor predisposition; Neoplastic Syndromes, Hereditary; Hereditary Cancer Syndrome; Hereditary neoplastic syndrome. Identifiers: Orphanet 140162, MedGen C0027672, MeSH D009386, MONDO:0015356.
Hereditary breast ovarian cancer syndrome. Also called: Hereditary breast and ovarian cancer syndrome (HBOC); Hereditary breast and ovarian cancer syndrome; Hereditary breast and ovarian cancer; Hereditary breast and/or ovarian cancer syndrome; Breast and ovarian cancer; BRCA1- and BRCA2-Associated Hereditary Breast and Ovarian Cancer. Identifiers: Orphanet 145, MedGen C0677776, MeSH D061325, MONDO:0003582. Disease mechanism: loss of function.
Breast-ovarian cancer, familial, susceptibility to, 1 (BROVCA1). Also called: OVARIAN CANCER, SUSCEPTIBILITY TO; BRCA1 Hereditary Breast and Ovarian Cancer. Identifiers: Orphanet 145, MedGen C2676676, MONDO:0011450, OMIM 604370. Disease mechanism: loss of function.

Submissions (7):

Evidence-based Network for the Interpretation of Germline Mutant Alleles (ENIGMA)
Classification: Pathogenic for Breast-ovarian cancer, familial, susceptibility to, 1. Last evaluated: 2016-09-08. Review status: reviewed by expert panel. Criteria: ENIGMA BRCA1/2 Classification Criteria (2015). Collection method: curation. Allele origin: germline.
Comment: Variant allele predicted to encode a truncated non-functional protein.

Labcorp Genetics (formerly Invitae), Labcorp
Classification: Pathogenic for Hereditary breast ovarian cancer syndrome. Last evaluated: 2024-04-29. Review status: criteria provided, single submitter. Criteria: Invitae Variant Classification Sherloc (09022015). Collection method: clinical testing. Allele origin: germline. Not counted in ClinVar's aggregate classification.
Comment: This sequence change creates a premature translational stop signal (p.Thr464Profs*11) in the BRCA1 gene. It is expected to result in an absent or disrupted protein product. Loss-of-function variants in BRCA1 are known to be pathogenic (PMID: 20104584). This variant is not present in population databases (gnomAD no frequency). This premature translational stop signal has been observed in individual(s) with breast/and or ovarian cancer (PMID: 10866029, 27836010). This variant is also known as 1506delA or c.1387delA. ClinVar contains an entry for this variant (Variation ID: 54236). For these reasons, this variant has been classified as Pathogenic.

Ambry Genetics
Classification: Pathogenic for Hereditary cancer-predisposing syndrome. Last evaluated: 2023-12-19. Review status: criteria provided, single submitter. Criteria: Ambry Variant Classification Scheme 2023. Collection method: clinical testing. Allele origin: germline. Not counted in ClinVar's aggregate classification.
Comment: The c.1389_1390delAAinsG pathogenic mutation, located in coding exon 9 of the BRCA1 gene, results from the deletion of two nucleotides and insertion of one nucleotide causing a translational frameshift with a predicted alternate stop codon (p.T464Pfs*11). This variant is considered to be rare based on population cohorts in the Genome Aggregation Database (gnomAD). This alteration is expected to result in loss of function by premature protein truncation or nonsense-mediated mRNA decay. As such, this alteration is interpreted as a disease-causing mutation.

Women's Health and Genetics/Laboratory Corporation of America, LabCorp
Classification: Pathogenic for Hereditary breast and ovarian cancer syndrome. Last evaluated: 2018-04-02. Review status: criteria provided, single submitter. Criteria: LabCorp Variant Classification Summary - May 2015. Collection method: clinical testing. Allele origin: germline. Not counted in ClinVar's aggregate classification.
Comment: Variant summary: BRCA1 c.1389_1390delinsG (p.Thr464ProfsX11) results in a premature termination codon, predicted to cause a truncation of the encoded protein or absence of the protein due to nonsense mediated decay, which are commonly known mechanisms for disease. Truncations downstream of this position have been classified as pathogenic by our laboratory (eg. c.1480C>T (p.Gln494X), c.1492delC (p.Leu498fsX5), and c.1508delA (p.Lys503fsX29)). The variant was absent in 245916 control chromosomes (gnomAD). The variant, c.1389_1390delinsG, has not been reported in the literature in individuals affected with Hereditary Breast and Ovarian Cancer. However, other variants such as c.1390delA (legacy names: c.1387delA, 1506delA) and c.1386delA (legacy name: 1505delG) that cause the same frameshift mutation have been reported in affected HBOC patients (Couch_1996, Peyrat_1998, Rebbeck_2016). Multiple ClinVar submissions from clinical diagnostic laboratories (evaluation after 2014) cite the variant as "pathogenic." Based on the evidence outlined above, the variant was classified as pathogenic.

GeneDx
Classification: Pathogenic. Last evaluated: 2015-03-20. Review status: criteria provided, single submitter. Criteria: GeneDx Variant Classification (06012015). Collection method: clinical testing. Allele origin: germline. Affected: yes. Not counted in ClinVar's aggregate classification.
Comment: This combined deletion and insertion is denoted c.1389_1390delAAinsG at the cDNA level and p.Thr464ProfsX11 (T464PfsX11) at the protein level. Using alternate nomenclature, this variant would be defined as c.1508delAAinsG. The normal sequence, with the bases that are deleted and inserted in brackets, is GGAA[delAA][insG]CCTA. The variant causes a frameshift, which changes a Threonine to a Proline at codon 464, and creates a premature stop codon at position 11 of the new reading frame. Although this variant has not, to our knowledge, been reported in the literature, it is predicted to cause loss of normal protein function through either protein truncation or nonsense-mediated mRNA decay. We consider BRCA1 c.1389_1390delAAinsG to be pathogenic.

Sharing Clinical Reports Project (SCRP)
Classification: Pathogenic for Breast-ovarian cancer, familial 1. Last evaluated: 2010-12-23. Review status: no assertion criteria provided. Collection method: clinical testing. Allele origin: germline. Not counted in ClinVar's aggregate classification.

Breast Cancer Information Core (BIC) (BRCA1)
Classification: Pathogenic for Breast-ovarian cancer, familial 1. Last evaluated: 2001-10-29. Review status: no assertion criteria provided. Collection method: clinical testing. Allele origin: germline. Affected: yes. Observed: 1 variant allele. Not counted in ClinVar's aggregate classification.

Literature cited by the submitters: PubMed 20104584 (cited by Labcorp Genetics (formerly Invitae), Labcorp); PubMed 10866029 (cited by Labcorp Genetics (formerly Invitae), Labcorp and Women's Health and Genetics/Laboratory Corporation of America, LabCorp); PubMed 27836010 (cited by Labcorp Genetics (formerly Invitae), Labcorp and Women's Health and Genetics/Laboratory Corporation of America, LabCorp); PubMed 8807330 (cited by Women's Health and Genetics/Laboratory Corporation of America, LabCorp).

NM_007294.4(BRCA1):c.1389_1390delinsG (p.Thr464fs)

Gene: BRCA1 (BRCA1 DNA repair associated; minus strand). Cytogenetic location: 17q21.31.
Variant type: Indel.
Coding change: c.1389_1390delinsG on transcript NM_007294.4 (MANE Select); coding-DNA positions 1389 to 1390, AA replaced by G.
Protein change: p.Thr464fs; shifts the reading frame from threonine 464.
Molecular consequence: frameshift variant. On other transcripts: intron variant (137).
Genome position (GRCh38, 1-based): chr17:43,094,141-43,094,142, TT replaced by C on the plus strand (AA replaced by G on the coding strand, the reverse complement: BRCA1 is on the minus strand). VCF-style: chr17-43094141-TT-C. GRCh37 (hg19) VCF-style: chr17-41246158-TT-C.
Other names: 1508delAAinsG; c.784+602_784+603delinsG (NM_001407991.1, NM_001408407.1, NM_001408402.1 and 13 more transcripts); c.664+602_664+603delinsG (NM_001408427.1, NM_001408443.1, NM_001408439.1 and 12 more transcripts); c.523+602_523+603delinsG (NM_001408496.1, NM_001408499.1, NM_001408498.1 and 3 more transcripts); c.646+602_646+603delinsG (NM_001408460.1, NM_001408454.1, NM_001408456.1 and 11 more transcripts); c.706+602_706+603delinsG (NM_001408413.1, NM_001408416.1); c.586+602_586+603delinsG (NM_001408476.1, NM_001408474.1); c.709+602_709+603delinsG (NM_001408409.1, NM_001408414.1, NM_001408411.1 and 2 more transcripts); and 41 more; short protein forms T417fs, T464fs, T352fs, T376fs, T422fs, T461fs, T168fs, T337fs.
Identifiers: ClinVar variation 37409 (VCV000037409.14), dbSNP rs273897659, ClinGen allele CA000927.